The following is an entry in ClinVar:

ClinVar aggregate classification (germline): Uncertain significance (1 of 4 stars; one submission).

Conditions:
Charcot-Marie-Tooth disease axonal type 2C (HMSN2C). Also called: Charcot-Marie-Tooth Disease Type 2, TRPV4-Related (CMT2C); CHARCOT-MARIE-TOOTH DISEASE, AXONAL, AUTOSOMAL DOMINANT, TYPE 2C; Charcot-Marie-Tooth Neuropathy Type 2C. Identifiers: Orphanet 99937, MedGen C1853710, MONDO:0011633, OMIM 606071.

Allele frequency attached by ClinVar (database versions not stated): gnomAD exomes below 0.00001 and 0.00001; ExAC 0.00001.
gnomAD v4.1: 5 of 1,614,050 alleles (0.00031%); highest among the groups gnomAD compares: South Asian, 0.0011%; no homozygotes.

Submission:

Labcorp Genetics (formerly Invitae), Labcorp
Classification: Uncertain significance for Charcot-Marie-Tooth disease axonal type 2C. Last evaluated: 2025-09-29. Review status: criteria provided, single submitter. Criteria: Invitae Variant Classification Sherloc (09022015). Collection method: clinical testing. Allele origin: germline.
Comment: This sequence change replaces alanine, which is neutral and non-polar, with valine, which is neutral and non-polar, at codon 755 of the TRPV4 protein (p.Ala755Val). This variant is present in population databases (rs746363121, gnomAD 0.0009%). This variant has not been reported in the literature in individuals affected with TRPV4-related conditions. ClinVar contains an entry for this variant (Variation ID: 844203). Invitae Evidence Modeling of protein sequence and biophysical properties (such as structural, functional, and spatial information, amino acid conservation, physicochemical variation, residue mobility, and thermodynamic stability) indicates that this missense variant is not expected to disrupt TRPV4 protein function with a negative predictive value of 95%. In summary, the available evidence is currently insufficient to determine the role of this variant in disease. Therefore, it has been classified as a Variant of Uncertain Significance.

NM_021625.5(TRPV4):c.2264C>T (p.Ala755Val)

Gene: TRPV4 (transient receptor potential cation channel subfamily V member 4; minus strand). Cytogenetic location: 12q24.11.
Variant type: single nucleotide variant.
Coding change: c.2264C>T on transcript NM_021625.5 (MANE Select); coding-DNA position 2264, C replaced by T.
Protein change: p.Ala755Val; replaces alanine 755 with valine.
Molecular consequence: missense variant.
Genome position (GRCh38, 1-based): chr12:109,786,782, G>A on the plus strand (C>T on the coding strand, the complement: TRPV4 is on the minus strand). VCF-style: chr12-109786782-G-A. GRCh37 (hg19) VCF-style: chr12-110224587-G-A.
Other names: c.2123C>T, p.Ala708Val (NM_001177428.2); c.2162C>T, p.Ala721Val (NM_001177431.2); c.1943C>T, p.Ala648Val (NM_001177433.2); c.2084C>T, p.Ala695Val (NM_147204.3); short protein forms A755V, A695V, A721V, A648V, A708V.
Identifiers: ClinVar variation 844203 (VCV000844203.9), dbSNP rs746363121, ClinGen allele CA6779977.